The following is an entry in ClinVar:

NM_001142800.2(EYS):c.6442C>A (p.Pro2148Thr)

Gene: EYS (eyes shut homolog; minus strand). Cytogenetic location: 6q12.
Variant type: single nucleotide variant.
Coding change: c.6442C>A on transcript NM_001142800.2 (MANE Select); coding-DNA position 6442, C replaced by A.
Protein change: p.Pro2148Thr; replaces proline 2148 with threonine.
Molecular consequence: missense variant.
Genome position (GRCh38, 1-based): chr6:64,081,985, G>T on the plus strand (C>A on the coding strand, the complement: EYS is on the minus strand). VCF-style: chr6-64081985-G-T. GRCh37 (hg19) VCF-style: chr6-64791878-G-T.
Other names: c.6442C>A, p.Pro2148Thr (NM_001292009.2); short protein forms P2148T.
Identifiers: ClinVar variation 2172709 (VCV002172709.1), dbSNP rs1771989206, ClinGen allele CA364391077.
Genomic context (GRCh38, chr6:64,081,985, plus strand): 5'-CCTTCTCCAGGACAAACTTCAAAAAGGGCAGTTCTAAATAGGAATTCCCATTGAAAGATG[G>T]AAAGAATAAACCTGCATCTAAAAAAGAAAATGGTATTAATATGTTCTGATAGCATTATAT-3'
Protein context (NP_001136272.1, residues 2138-2158): FCEKDAGLFF[Pro2148Thr]SFNGNSYLEL

ClinVar aggregate classification (germline): Uncertain significance (1 of 4 stars; one submission).

Allele frequency attached by ClinVar (database versions not stated): TOPMed below 0.00001.
gnomAD v4.1: 1 of 1,542,820 alleles (0.000065%); no homozygotes.

Submission:

Labcorp Genetics (formerly Invitae), Labcorp
Classification: Uncertain significance. Last evaluated: 2022-06-11. Review status: criteria provided, single submitter. Criteria: Invitae Variant Classification Sherloc (09022015). Collection method: clinical testing. Allele origin: germline.
Comment: This sequence change replaces proline, which is neutral and non-polar, with threonine, which is neutral and polar, at codon 2148 of the EYS protein (p.Pro2148Thr). This variant is not present in population databases (gnomAD no frequency). This variant has not been reported in the literature in individuals affected with EYS-related conditions. Algorithms developed to predict the effect of missense changes on protein structure and function (SIFT, PolyPhen-2, Align-GVGD) all suggest that this variant is likely to be disruptive. In summary, the available evidence is currently insufficient to determine the role of this variant in disease. Therefore, it has been classified as a Variant of Uncertain Significance.